The following is an entry in ClinVar:

NM_052947.4(ALPK2):c.2929A>C (p.Ser977Arg)

Gene: ALPK2 (alpha kinase 2; minus strand). Cytogenetic location: 18q21.31.
Variant type: single nucleotide variant.
Coding change: c.2929A>C on transcript NM_052947.4 (MANE Select); coding-DNA position 2929, A replaced by C.
Protein change: p.Ser977Arg; replaces serine 977 with arginine.
Molecular consequence: missense variant.
Genome position (GRCh38, 1-based): chr18:58,537,258, T>G on the plus strand (A>C on the coding strand, the complement: ALPK2 is on the minus strand). VCF-style: chr18-58537258-T-G. GRCh37 (hg19) VCF-style: chr18-56204490-T-G.
Other names: short protein forms S977R.
Identifiers: ClinVar variation 3228661 (VCV003228661.1), dbSNP rs753922072, ClinGen allele CA402569472.

ClinVar aggregate classification (germline): Uncertain significance (1 of 4 stars; one submission).

Submission:

Ambry Genetics
Classification: Uncertain significance. Last evaluated: 2024-01-06. Review status: criteria provided, single submitter. Criteria: Ambry Variant Classification Scheme 2023. Collection method: clinical testing. Allele origin: germline.
Comment: The p.S977R variant (also known as c.2929A>C), located in coding exon 4 of the ALPK2 gene, results from an A to C substitution at nucleotide position 2929. The serine at codon 977 is replaced by arginine, an amino acid with dissimilar properties. This amino acid position is conserved. In addition, this alteration is predicted to be tolerated by in silico analysis. Since supporting evidence is limited at this time, the clinical significance of this alteration remains unclear.